The following is an entry in ClinVar:

NM_000202.8(IDS):c.1057G>T (p.Val353Phe)

Genes: IDS (iduronate 2-sulfatase; minus strand), LOC106050102 (IDS recombination region; plus strand). Cytogenetic location: Xq28.
Variant type: single nucleotide variant.
Coding change: c.1057G>T on transcript NM_000202.8 (MANE Select); coding-DNA position 1057, G replaced by T.
Protein change: p.Val353Phe; replaces valine 353 with phenylalanine.
Molecular consequence: missense variant.
Genome position (GRCh38, 1-based): chrX:149,487,048, C>A on the plus strand (G>T on the coding strand, the complement: IDS is on the minus strand). VCF-style: chrX-149487048-C-A. GRCh37 (hg19) VCF-style: chrX-148568579-C-A.
Other names: c.787G>T, p.Val263Phe (NM_001166550.4); short protein forms V263F, V353F.
Identifiers: ClinVar variation 2704701 (VCV002704701.3), dbSNP rs2520784706, ClinGen allele CA414518921.
Genomic context (GRCh38, chrX:149,487,048, plus strand): 5'-CCTCCGGAAGTGAAGCCGTCCTTCCAGGAACATAGAATATCAGGGGAACATGGGTAGCAA[C>A]ATCAAAATTGCTGTATTTGGCCCATTCTCCATGTTCACCTAGAGCCCACCCTAGTTCATA-3'
Protein context (NP_000193.1, residues 343-363): GEWAKYSNFD[Val353Phe]ATHVPLIFYV

ClinVar aggregate classification (germline): Uncertain significance (1 of 4 stars; one submission).

Conditions:
Mucopolysaccharidosis, MPS-II (MPS2). Also called: Mucopolysaccharidosis type 2; IDS deficiency; Sulfoiduronate sulfatase deficiency; SIDS deficiency; Mucopolysaccharidosis with skin involvement; Attenuated MPS (subtype; formerly known as mild MPS II). Identifiers: Orphanet 580, Orphanet 79388, MedGen C0026705, MONDO:0010674, OMIM 309900.

Submission:

Labcorp Genetics (formerly Invitae), Labcorp
Classification: Uncertain significance for Mucopolysaccharidosis, MPS-II. Last evaluated: 2023-12-21. Review status: criteria provided, single submitter. Criteria: Invitae Variant Classification Sherloc (09022015). Collection method: clinical testing. Allele origin: germline.
Comment: This sequence change replaces valine, which is neutral and non-polar, with phenylalanine, which is neutral and non-polar, at codon 353 of the IDS protein (p.Val353Phe). This variant is not present in population databases (gnomAD no frequency). This variant has not been reported in the literature in individuals affected with IDS-related conditions. Advanced modeling of protein sequence and biophysical properties (such as structural, functional, and spatial information, amino acid conservation, physicochemical variation, residue mobility, and thermodynamic stability) has been performed at Invitae for this missense variant, however the output from this modeling did not meet the statistical confidence thresholds required to predict the impact of this variant on IDS protein function. In summary, the available evidence is currently insufficient to determine the role of this variant in disease. Therefore, it has been classified as a Variant of Uncertain Significance.